The following is an entry in ClinVar:

NM_001378454.1(ALMS1):c.204_212del (p.Ile68_Glu71delinsMet)

Gene: ALMS1 (ALMS1 centrosome and basal body associated protein; plus strand). Cytogenetic location: 2p13.1.
Variant type: Deletion.
Coding change: c.204_212del on transcript NM_001378454.1 (MANE Select); coding-DNA positions 204 to 212, 9 bases deleted (AGACGACGA; older notation c.204_212delAGACGACGA).
Protein change: p.Ile68_Glu71delinsMet.
Molecular consequence: inframe indel.
Genome position (GRCh38, 1-based): chr2:73,386,072-73,386,080, AGACGACGA deleted. VCF-style (leftmost placement, unchanged base first): chr2-73386071-TAGACGACGA-T. GRCh37 (hg19) VCF-style: chr2-73613199-TAGACGACGA-T.
Other names: c.207_215del9 (NM_015120.4); c.207_215del, p.Ile69_Glu72delinsMet (NM_015120.4).
Identifiers: ClinVar variation 552318 (VCV000552318.5), dbSNP rs1553396244, ClinGen allele CA658822804.

ClinVar aggregate classification (germline): Uncertain significance. Review status: criteria provided, multiple submitters, no conflicts (2 of 4 stars). 3 submissions from 3 submitters: Uncertain significance (2). 1 of the submissions does not count toward it. Last evaluated 2024-08-05.

Conditions:
Alstrom syndrome (ALMS). Identifiers: Orphanet 64, MedGen C0268425, MONDO:0008763, OMIM 203800.

Allele frequency attached by ClinVar (database versions not stated): gnomAD exomes 0.00001.

Submissions (3):

Labcorp Genetics (formerly Invitae), Labcorp
Classification: Uncertain significance for Alstrom syndrome. Last evaluated: 2024-08-05. Review status: criteria provided, single submitter. Criteria: Invitae Variant Classification Sherloc (09022015). Collection method: clinical testing. Allele origin: germline.
Comment: This variant, c.207_215del, is a complex sequence change that results in the deletion of 4 and insertion of 1 amino acid(s) in the ALMS1 protein (p.Ile69_Glu72delinsMet). This variant is not present in population databases (gnomAD no frequency). This variant has not been reported in the literature in individuals affected with ALMS1-related conditions. ClinVar contains an entry for this variant (Variation ID: 552318). Experimental studies and prediction algorithms are not available or were not evaluated, and the functional significance of this variant is currently unknown. In summary, the available evidence is currently insufficient to determine the role of this variant in disease. Therefore, it has been classified as a Variant of Uncertain Significance.

Breakthrough Genomics
Classification: Uncertain significance. Review status: criteria provided, single submitter. Criteria: ACMG Guidelines, 2015. Collection method: not provided. Allele origin: germline. Inheritance: Autosomal recessive inheritance. Affected: yes.

Counsyl
Classification: Uncertain significance for Alstrom syndrome. Last evaluated: 2017-06-05. Review status: no assertion criteria provided. Collection method: clinical testing. Allele origin: unknown. Not counted in ClinVar's aggregate classification.